The following is an entry in ClinVar:

ClinVar aggregate classification (germline): Conflicting classifications of pathogenicity. Review status: criteria provided, conflicting classifications (1 of 4 stars). 4 submissions from 4 submitters: Uncertain significance (3); Likely benign (1). Last evaluated 2026-01-15.

Conditions:
Wilms tumor 1 (WT1). Also called: Wilms tumor, somatic. Identifiers: Orphanet 654, MedGen CN033288, MONDO:0008679, OMIM 194070.
Frasier syndrome. Identifiers: Orphanet 347, MedGen C0950122, MeSH D052159, MONDO:0007635, OMIM 136680.
11p partial monosomy syndrome (WAGR). Also called: WAGR syndrome; WAGR Complex; WAGR Spectrum Disorder; CHROMOSOME 11p13 DELETION SYNDROME. Identifiers: Orphanet 893, MedGen C0206115, MONDO:0008681, OMIM 194072.
Drash syndrome (DDS). Also called: NEPHROPATHY, WILMS TUMOR, AND GENITAL ANOMALIES; WILMS TUMOR AND PSEUDO- OR TRUE HERMAPHRODITISM. Identifiers: Orphanet 220, MedGen C0950121, MONDO:0008682, OMIM 194080.
Inborn genetic diseases. Identifiers: MedGen C0950123, MeSH D030342.

gnomAD v4.1: 4 of 1,522,428 alleles (0.00026%); highest among the groups gnomAD compares: Non-Finnish European, 0.00035%; no homozygotes.

Submissions (4):

Ambry Genetics
Classification: Likely benign for Inborn genetic diseases. Last evaluated: 2026-01-15. Review status: criteria provided, single submitter. Criteria: Ambry Variant Classification Scheme 2023. Collection method: clinical testing. Allele origin: germline.

Labcorp Genetics (formerly Invitae), Labcorp
Classification: Uncertain significance for Wilms tumor 1; Drash syndrome; 11p partial monosomy syndrome; Frasier syndrome. Last evaluated: 2024-09-17. Review status: criteria provided, single submitter. Criteria: Invitae Variant Classification Sherloc (09022015). Collection method: clinical testing. Allele origin: germline.
Comment: This sequence change replaces arginine, which is basic and polar, with glutamine, which is neutral and polar, at codon 56 of the WT1 protein (p.Arg56Gln). This variant is not present in population databases (gnomAD no frequency). This variant has not been reported in the literature in individuals affected with WT1-related conditions. An algorithm developed to predict the effect of missense changes on protein structure and function (PolyPhen-2) suggests that this variant is likely to be tolerated. In summary, the available evidence is currently insufficient to determine the role of this variant in disease. Therefore, it has been classified as a Variant of Uncertain Significance.

All of Us Research Program, National Institutes of Health
Classification: Uncertain significance for Wilms tumor 1. Last evaluated: 2024-02-22. Review status: criteria provided, single submitter. Criteria: ACMG Guidelines, 2015. Collection method: clinical testing. Allele origin: germline. Inheritance: Autosomal dominant inheritance. Observed: 1 variant allele, 1 heterozygote.
Comment: This missense variant replaces arginine with glutamine at codon 56 of the WT1 protein. Computational prediction suggests that this variant may not impact protein structure and function. To our knowledge, functional studies have not been reported for this variant. This variant has not been reported in individuals affected with WT1-related disorders in the literature. This variant has not been identified in the general population by the Genome Aggregation Database (gnomAD). The available evidence is insufficient to determine the role of this variant in disease conclusively. Therefore, this variant is classified as a Variant of Uncertain Significance.

This study involves interpretation of variants in research participants for the purpose of population health screening. Participant phenotype was not available at the time of variant classification. Additional details can be found in publication PMID: 35346344, PMCID: PMC8962531

Baylor Genetics
Classification: Uncertain significance for Drash syndrome. Last evaluated: 2024-01-03. Review status: criteria provided, single submitter. Criteria: ACMG Guidelines, 2015. Collection method: clinical testing. Allele origin: unknown.

NM_024426.6(WT1):c.182G>A (p.Arg61Gln)

Genes: WT1 (WT1 transcription factor; minus strand), LOC107982234 (WT1/WT1-AS bi-directional promoter region; plus strand). Cytogenetic location: 11p13.
Variant type: single nucleotide variant.
Coding change: c.182G>A on transcript NM_024426.6 (MANE Select); coding-DNA position 182, G replaced by A.
Protein change: p.Arg61Gln; replaces arginine 61 with glutamine.
Molecular consequence: missense variant. On other transcripts: non-coding transcript variant (2).
Genome position (GRCh38, 1-based): chr11:32,435,179, C>T on the plus strand (G>A on the coding strand, the complement: WT1 is on the minus strand). VCF-style: chr11-32435179-C-T. GRCh37 (hg19) VCF-style: chr11-32456725-C-T.
Other names: c.182G>A, p.Arg61Gln (NM_001407045.1, NM_001407046.1, NM_001407047.1 and 6 more transcripts); c.167G>A, p.Arg56Gln (NM_024425.2); c.167G>A (NM_024426.4); short protein forms R56Q, R61Q.
Identifiers: ClinVar variation 2925823 (VCV002925823.6), dbSNP rs1305856872, ClinGen allele CA379966214.